The following is an entry in ClinVar:

NM_006059.4(LAMC3):c.3211+1G>A

Gene: LAMC3 (laminin subunit gamma 3; plus strand). Cytogenetic location: 9q34.12.
Variant type: single nucleotide variant.
Coding change: c.3211+1G>A on transcript NM_006059.4 (MANE Select); the canonical splice donor site of the intron after coding-DNA position 3211, G replaced by A.
Molecular consequence: splice donor variant.
Genome position (GRCh38, 1-based): chr9:131,071,626, G>A. VCF-style: chr9-131071626-G-A. GRCh37 (hg19) VCF-style: chr9-133947013-G-A.
Identifiers: ClinVar variation 2878449 (VCV002878449.5), dbSNP rs746890847, ClinGen allele CA5287706.

ClinVar aggregate classification (germline): Likely pathogenic. Review status: criteria provided, multiple submitters, no conflicts (2 of 4 stars). 2 submissions from 2 submitters: Likely pathogenic (2). Last evaluated 2026-06-05.

Allele frequency attached by ClinVar (database versions not stated): gnomAD exomes 0.00001; ExAC 0.00002.
gnomAD v4.1: 14 of 1,579,754 alleles (0.00089%); highest among the groups gnomAD compares: Non-Finnish European, 0.0012%; no homozygotes.

Submissions (2):

GeneDx
Classification: Likely pathogenic. Last evaluated: 2026-06-05. Review status: criteria provided, single submitter. Criteria: GeneDx Variant Classification Process June 2021. Collection method: clinical testing. Allele origin: germline.
Comment: Canonical splice site variant predicted to result in a null allele in a gene for which loss of function is a known mechanism of disease; Not observed at significant frequency in large population cohorts (gnomAD); Has not been previously published as pathogenic or benign to our knowledge

Labcorp Genetics (formerly Invitae), Labcorp
Classification: Likely pathogenic. Last evaluated: 2025-05-20. Review status: criteria provided, single submitter. Criteria: Invitae Variant Classification Sherloc (09022015). Collection method: clinical testing. Allele origin: germline.
Comment: This sequence change affects a donor splice site in intron 18 of the LAMC3 gene. It is expected to disrupt RNA splicing. Variants that disrupt the donor or acceptor splice site typically lead to a loss of protein function (PMID: 16199547), and loss-of-function variants in LAMC3 are known to be pathogenic (PMID: 21572413, 26802095). This variant is present in population databases (rs746890847, gnomAD 0.002%). This variant has not been reported in the literature in individuals affected with LAMC3-related conditions. ClinVar contains an entry for this variant (Variation ID: 2878449). Algorithms developed to predict the effect of sequence changes on RNA splicing suggest that this variant may disrupt the consensus splice site. In summary, the currently available evidence indicates that the variant is pathogenic, but additional data are needed to prove that conclusively. Therefore, this variant has been classified as Likely Pathogenic.

Literature cited by the submitters: PubMed 16199547 (cited by Labcorp Genetics (formerly Invitae), Labcorp); PubMed 21572413 (cited by Labcorp Genetics (formerly Invitae), Labcorp); PubMed 26802095 (cited by Labcorp Genetics (formerly Invitae), Labcorp).